The following is an entry in ClinVar:

ClinVar aggregate classification (germline): Conflicting classifications of pathogenicity. Review status: criteria provided, conflicting classifications (1 of 4 stars). 3 submissions from 3 submitters: Uncertain significance (2); Likely benign (1). Last evaluated 2022-09-06.

Conditions:
Episodic pain syndrome, familial, 2 (FEPS2). Identifiers: Orphanet 306577, MedGen C3809893, MONDO:0014246, OMIM 615551.
Brugada syndrome. Also called: Sudden unexplained nocturnal death syndrome; Sudden unexpected nocturnal death syndrome; Sudden Unexplained Death Syndrome; Sudden Unexplained Nocturnal Death Syndrome (SUNDS). Identifiers: Orphanet 130, MedGen C1142166, MONDO:0015263.
Cardiovascular phenotype. Identifiers: MedGen CN230736.

Allele frequency attached by ClinVar (database versions not stated): gnomAD 0.00001; gnomAD exomes 0.00001 and 0.00002; TOPMed 0.00001; ExAC 0.00002.
gnomAD v4.1: 13 of 1,612,858 alleles (0.00081%); highest among the groups gnomAD compares: Admixed American, 0.005%; no homozygotes.

Submissions (3):

Ambry Genetics
Classification: Likely benign for Cardiovascular phenotype. Last evaluated: 2022-09-06. Review status: criteria provided, single submitter. Criteria: Ambry Variant Classification Scheme 2023. Collection method: clinical testing. Allele origin: germline.

Fulgent Genetics
Classification: Uncertain significance for Episodic pain syndrome, familial, 2. Last evaluated: 2021-12-20. Review status: criteria provided, single submitter. Criteria: ACMG Guidelines, 2015. Collection method: clinical testing. Allele origin: unknown.

Labcorp Genetics (formerly Invitae), Labcorp
Classification: Uncertain significance for Brugada syndrome. Last evaluated: 2021-11-20. Review status: criteria provided, single submitter. Criteria: Invitae Variant Classification Sherloc (09022015). Collection method: clinical testing. Allele origin: germline.
Comment: This sequence change replaces alanine, which is neutral and non-polar, with threonine, which is neutral and polar, at codon 989 of the SCN10A protein (p.Ala989Thr). This variant is present in population databases (rs766280701, gnomAD 0.01%). This variant has not been reported in the literature in individuals affected with SCN10A-related conditions. ClinVar contains an entry for this variant (Variation ID: 1042304). Advanced modeling of protein sequence and biophysical properties (such as structural, functional, and spatial information, amino acid conservation, physicochemical variation, residue mobility, and thermodynamic stability) performed at Invitae indicates that this missense variant is not expected to disrupt SCN10A protein function. In summary, the available evidence is currently insufficient to determine the role of this variant in disease. Therefore, it has been classified as a Variant of Uncertain Significance.

NM_006514.4(SCN10A):c.2965G>A (p.Ala989Thr)

Genes: SCN10A (sodium voltage-gated channel alpha subunit 10; minus strand), LOC110121288 (VISTA enhancer hs2268; plus strand). Cytogenetic location: 3p22.2.
Variant type: single nucleotide variant.
Coding change: c.2965G>A on transcript NM_006514.4 (MANE Select); coding-DNA position 2965, G replaced by A.
Protein change: p.Ala989Thr; replaces alanine 989 with threonine.
Molecular consequence: missense variant.
Genome position (GRCh38, 1-based): chr3:38,726,728, C>T on the plus strand (G>A on the coding strand, the complement: SCN10A is on the minus strand). VCF-style: chr3-38726728-C-T. GRCh37 (hg19) VCF-style: chr3-38768219-C-T.
Other names: c.2965G>A, p.Ala989Thr (NM_001293306.2); c.2671G>A, p.Ala891Thr (NM_001293307.2); c.2965G>A (NM_006514.2); short protein forms A891T, A989T.
Identifiers: ClinVar variation 1042304 (VCV001042304.5), dbSNP rs766280701, ClinGen allele CA2320396.